The following is an entry in ClinVar:

NM_000104.4(CYP1B1):c.533T>A (p.Val178Glu)

Gene: CYP1B1 (cytochrome P450 family 1 subfamily B member 1; minus strand). Cytogenetic location: 2p22.2.
Variant type: single nucleotide variant.
Coding change: c.533T>A on transcript NM_000104.4 (MANE Select); coding-DNA position 533, T replaced by A.
Protein change: p.Val178Glu; replaces valine 178 with glutamic acid.
Molecular consequence: missense variant.
Genome position (GRCh38, 1-based): chr2:38,074,856, A>T on the plus strand (T>A on the coding strand, the complement: CYP1B1 is on the minus strand). VCF-style: chr2-38074856-A-T. GRCh37 (hg19) VCF-style: chr2-38301999-A-T.
Other names: NM_000104.4(CYP1B1):c.533T>A; p.Val178Glu; short protein forms V178E.
Identifiers: ClinVar variation 3907622 (VCV003907622.2).
Genomic context (GRCh38, chr2:38,074,856, plus strand): 5'-ACGGTCAGCGGCCTCGGGTCGAGGAAGGCGCCGTCCGCGCTGCCGCGCACCAGCAGCGCC[A>T]CCAGCTCGCGCGCCTCGCTCAGCACGTGGCCCTCGAGGACTTGGCGGCTGCGCGGCTGGC-3'
Protein context (NP_000095.2, residues 168-188): GHVLSEAREL[Val178Glu]ALLVRGSADG

ClinVar aggregate classification (germline): Likely pathogenic. Review status: reviewed by expert panel (3 of 4 stars). 2 submissions from 2 submitters: Likely pathogenic (1). 1 of the submissions does not count toward it. Last evaluated 2026-10-27.

Conditions:
CYP1B1-related glaucoma with or without anterior segment dysgenesis. Identifiers: MedGen CN375931, MONDO:0800472.

Submissions (2):

ClinGen Glaucoma Variant Curation Expert Panel
Classification: Likely pathogenic for CYP1B1-related glaucoma with or without anterior segment dysgenesis. Last evaluated: 2026-10-27. Review status: reviewed by expert panel. Criteria: ClinGen Glaucoma ACMG Specifications CYP1B1 V2.0. Collection method: curation. Allele origin: germline. Inheritance: Autosomal recessive inheritance.
Comment: The c.533T>A variant in CYP1B1 is a missense variant predicted to cause substitution of Valine by Glutamic acid at amino acid 178 (p.Val178Glu). This variant was not found in any genetic ancestry group of gnomAD (v4.1), meeting the ≤ 0.0005 threshold set for PM2_Supporting in a genetic ancestry group of at least 2,000 alleles. The REVEL score = 0.821, which was within the 0.773-0.931 range for PP3_Moderate, predicting a damaging effect on CYP1B1 function. There was no functional evidence predicting a damaging or benign impact of this variant on CYP1B1 function. This variant has been identified in three individuals with a CYP1B1-related phenotype. These individuals are compound heterozygous for the variant and a pathogenic or likely pathogenic variant (1x confirmed in trans, 2x phase unknown) (PMID: 24227805, 42211217). Total proband points = 2, meeting PM3_Strong. In summary, this variant met the criteria to receive a score of 7 and to be classified as likely pathogenic (likely pathogenic classification range 6 to 9, adapted from PMID: 32720330) for CYP1B1-related glaucoma with or without anterior segment dysgenesis (ASD) based on the ACMG/AMP criteria met, as specified by the ClinGen Glaucoma VCEP (v2.0, 16.07.2026): PM3_Strong, PP3_Moderate, PM2_Supporting.

Women's Health and Genetics/Laboratory Corporation of America, LabCorp
Classification: Uncertain significance. Last evaluated: 2025-06-20. Review status: criteria provided, single submitter. Criteria: LabCorp Variant Classification Summary - May 2015. Collection method: clinical testing. Allele origin: germline. Not counted in ClinVar's aggregate classification.
Comment: Variant summary: CYP1B1 c.533T>A (p.Val178Glu) results in a non-conservative amino acid change in the encoded protein sequence. Algorithms developed to predict the effect of missense changes on protein structure and function all suggest that this variant is likely to be disruptive. The frequency data for this variant in gnomAD is considered unreliable, as metrics indicate poor data quality at this position. c.533T>A has been observed in individuals affected with Primary Congenital Glaucoma (Chen_2014). These data indicate that the variant may be associated with disease. To our knowledge, no experimental evidence demonstrating an impact on protein function has been reported. The following publication has been ascertained in the context of this evaluation (PMID: 24227805). No submitters have cited clinical-significance assessments for this variant to ClinVar. Based on the evidence outlined above, the variant was classified as VUS-possibly pathogenic.

Literature cited by the submitters: PubMed 24227805 (cited by Women's Health and Genetics/Laboratory Corporation of America, LabCorp).